The following is an entry in ClinVar:

NM_152564.5(VPS13B):c.329G>T (p.Arg110Leu)

Gene: VPS13B (vacuolar protein sorting 13 homolog B; plus strand). Cytogenetic location: 8q22.2.
Variant type: single nucleotide variant.
Coding change: c.329G>T on transcript NM_152564.5 (MANE Select); coding-DNA position 329, G replaced by T.
Protein change: p.Arg110Leu; replaces arginine 110 with leucine.
Molecular consequence: missense variant. On other transcripts: non-coding transcript variant (1).
Genome position (GRCh38, 1-based): chr8:99,096,349, G>T. VCF-style: chr8-99096349-G-T. GRCh37 (hg19) VCF-style: chr8-100108577-G-T.
Other names: c.329G>T, p.Arg110Leu (NM_015243.3, NM_017890.5, NM_181661.3); short protein forms R110L.
Identifiers: ClinVar variation 3815121 (VCV003815121.2).

ClinVar aggregate classification (germline): Uncertain significance. Review status: criteria provided, multiple submitters, no conflicts (2 of 4 stars). 2 submissions from 2 submitters: Uncertain significance (2). Last evaluated 2026-03-03.

Conditions:
Inborn genetic diseases. Identifiers: MedGen C0950123, MeSH D030342.
VPS13B-related disorder. Also called: VPS13B-related condition.

gnomAD v4.1: 2 of 1,613,994 alleles (0.00012%); highest among the groups gnomAD compares: Non-Finnish European, 0.00017%; no homozygotes.

Submissions (2):

PreventionGenetics, part of Exact Sciences
Classification: Uncertain significance for VPS13B-related condition. Last evaluated: 2026-03-03. Review status: criteria provided, single submitter. Criteria: ACMG Guidelines, 2015. Collection method: clinical testing. Allele origin: germline.
Comment: The VPS13B c.329G>T variant is predicted to result in the amino acid substitution p.Arg110Leu. To our knowledge, this variant has not been reported in the literature or in a large population database (gnomAD), indicating this variant is rare. At this time, the clinical significance of this variant is uncertain due to the absence of conclusive functional and genetic evidence.

Ambry Genetics
Classification: Uncertain significance for Inborn genetic diseases. Last evaluated: 2025-03-03. Review status: criteria provided, single submitter. Criteria: Ambry Variant Classification Scheme 2023. Collection method: clinical testing. Allele origin: germline.